The following is an entry in ClinVar:

ClinVar aggregate classification (germline): Uncertain significance (1 of 4 stars; one submission).

Conditions:
Hereditary cancer-predisposing syndrome. Also called: Neoplastic Syndromes, Hereditary; Tumor predisposition; Hereditary neoplastic syndrome; Hereditary Cancer Syndrome. Identifiers: Orphanet 140162, MedGen C0027672, MeSH D009386, MONDO:0015356.

Submission:

Ambry Genetics
Classification: Uncertain significance for Hereditary cancer-predisposing syndrome. Last evaluated: 2026-08-05. Review status: criteria provided, single submitter. Criteria: Ambry Variant Classification Scheme 2023. Collection method: clinical testing. Allele origin: germline.
Comment: The p.M2616K variant (also known as c.7847T>A), located in coding exon 52 of the ATM gene, results from a T to A substitution at nucleotide position 7847. The methionine at codon 2616 is replaced by lysine, an amino acid with similar properties. In an assay testing ATM function, this variant showed a functionally abnormal result (Lee KS et al. Cell, 2025 Sep;188:5081-5099.e27). This amino acid position is highly conserved in available vertebrate species. In addition, this alteration is predicted to be deleterious by in silico analysis. Based on the available evidence, the clinical significance of this variant remains unclear.

Literature cited by the submitters: PubMed 40580951.

NM_000051.4(ATM):c.7847T>A (p.Met2616Lys)

Genes: ATM (ATM serine/threonine kinase; plus strand), C11orf65 (chromosome 11 open reading frame 65; minus strand). Cytogenetic location: 11q22.3.
Variant type: single nucleotide variant.
Coding change: c.7847T>A on transcript NM_000051.4 (MANE Select); coding-DNA position 7847, T replaced by A.
Protein change: p.Met2616Lys; replaces methionine 2616 with lysine.
Molecular consequence: missense variant. On other transcripts: intron variant (2).
Genome position (GRCh38, 1-based): chr11:108,332,820, T>A. VCF-style: chr11-108332820-T-A. GRCh37 (hg19) VCF-style: chr11-108203547-T-A.
Other names: c.7847T>A, p.Met2616Lys (NM_001351834.2); c.641-23749A>T (NM_001330368.2); c.*38+2400A>T (NM_001351110.2); short protein forms M2616K.
Identifiers: ClinVar variation 5031773 (VCV005031773.1).